The following is an entry in ClinVar:

ClinVar aggregate classification (germline): Uncertain significance (1 of 4 stars; one submission).

Conditions:
Primary ciliary dyskinesia. Also called: Ciliary dyskinesia. Identifiers: Orphanet 244, MedGen C0008780, MONDO:0016575, HP:0012265.

Allele frequency attached by ClinVar (database versions not stated): gnomAD exomes below 0.00001; TOPMed below 0.00001.
gnomAD v4.1: 3 of 1,211,394 alleles (0.00025%); highest among the groups gnomAD compares: Admixed American, 0.0044%; no homozygotes.

Submission:

Labcorp Genetics (formerly Invitae), Labcorp
Classification: Uncertain significance for Primary ciliary dyskinesia. Last evaluated: 2025-08-25. Review status: criteria provided, single submitter. Criteria: Invitae Variant Classification Sherloc (09022015). Collection method: clinical testing. Allele origin: germline.
Comment: This sequence change replaces threonine, which is neutral and polar, with serine, which is neutral and polar, at codon 383 of the RPGR protein (p.Thr383Ser). This variant is not present in population databases (gnomAD no frequency). This variant has not been reported in the literature in individuals affected with RPGR-related conditions. ClinVar contains an entry for this variant (Variation ID: 2154224). Invitae Evidence Modeling of protein sequence and biophysical properties (such as structural, functional, and spatial information, amino acid conservation, physicochemical variation, residue mobility, and thermodynamic stability) indicates that this missense variant is not expected to disrupt RPGR protein function with a negative predictive value of 95%. In summary, the available evidence is currently insufficient to determine the role of this variant in disease. Therefore, it has been classified as a Variant of Uncertain Significance.

NM_001034853.2(RPGR):c.1147A>T (p.Thr383Ser)

Gene: RPGR (retinitis pigmentosa GTPase regulator; minus strand). Cytogenetic location: Xp11.4.
Variant type: single nucleotide variant.
Coding change: c.1147A>T on transcript NM_001034853.2 (MANE Select); coding-DNA position 1147, A replaced by T.
Protein change: p.Thr383Ser; replaces threonine 383 with serine.
Molecular consequence: missense variant. On other transcripts: non-coding transcript variant (6), intron variant (2).
Genome position (GRCh38, 1-based): chrX:38,299,054, T>A on the plus strand (A>T on the coding strand, the complement: RPGR is on the minus strand). VCF-style: chrX-38299054-T-A. GRCh37 (hg19) VCF-style: chrX-38158307-T-A.
Other names: c.1147A>T, p.Thr383Ser (NM_000328.3, NM_001367247.1); c.1144A>T, p.Thr382Ser (NM_001367245.1, NM_001367249.1, NM_001367250.1); c.1177A>T, p.Thr393Ser (NM_001367248.1); c.1060-1602A>T (NM_001367251.1, NM_001367246.1); short protein forms T382S, T393S, T383S.
Identifiers: ClinVar variation 2154224 (VCV002154224.4), dbSNP rs2067450541, ClinGen allele CA412739904.